The following is an entry in ClinVar:

NM_001083619.3(GRIA2):c.1330G>C (p.Gly444Arg)

Gene: GRIA2 (glutamate ionotropic receptor AMPA type subunit 2; plus strand). Cytogenetic location: 4q32.1.
Variant type: single nucleotide variant.
Coding change: c.1330G>C on transcript NM_001083619.3 (MANE Select); coding-DNA position 1330, G replaced by C.
Protein change: p.Gly444Arg; replaces glycine 444 with arginine.
Molecular consequence: missense variant.
Genome position (GRCh38, 1-based): chr4:157,335,734, G>C. VCF-style: chr4-157335734-G-C. GRCh37 (hg19) VCF-style: chr4-158256886-G-C.
Other names: c.1330G>C, p.Gly444Arg (NM_000826.6); c.1189G>C, p.Gly397Arg (NM_001083620.3, NM_001379000.3, NM_001379001.3); short protein forms G397R, G444R.
Identifiers: ClinVar variation 4680967 (VCV004680967.1).

ClinVar aggregate classification (germline): Uncertain significance (1 of 4 stars; one submission).

Submission:

GeneDx
Classification: Uncertain significance. Last evaluated: 2025-06-30. Review status: criteria provided, single submitter. Criteria: GeneDx Variant Classification Process June 2021. Collection method: clinical testing. Allele origin: germline. Affected: yes.
Comment: Not observed at significant frequency in large population cohorts (gnomAD); In silico analysis supports that this missense variant has a deleterious effect on protein structure/function; Has not been previously published as pathogenic or benign to our knowledge